The following is an entry in ClinVar:

NM_006761.5(YWHAE):c.690A>G (p.Leu230=)

Gene: YWHAE (tyrosine 3-monooxygenase/tryptophan 5-monooxygenase activation protein epsilon; minus strand). Cytogenetic location: 17p13.3.
Variant type: single nucleotide variant.
Coding change: c.690A>G on transcript NM_006761.5 (MANE Select); coding-DNA position 690, A replaced by G.
Protein change: p.Leu230=; no amino-acid change (leucine 230 retained).
Molecular consequence: synonymous variant. On other transcripts: non-coding transcript variant (1).
Genome position (GRCh38, 1-based): chr17:1,354,236, T>C on the plus strand (A>G on the coding strand, the complement: YWHAE is on the minus strand). VCF-style: chr17-1354236-T-C. GRCh37 (hg19) VCF-style: chr17-1257530-T-C.
Identifiers: ClinVar variation 772225 (VCV000772225.10), dbSNP rs143158533, ClinGen allele CA8266118.

ClinVar aggregate classification (germline): Likely benign. Review status: criteria provided, single submitter (1 of 4 stars). 2 submissions from 2 submitters: Likely benign (1). 1 of the submissions does not count toward it. Last evaluated 2023-12-11.

Conditions:
YWHAE-related disorder. Also called: YWHAE-related condition.

Allele frequency attached by ClinVar (database versions not stated): gnomAD 0.00019; 1000 Genomes Project 30x 0.00031; 1000 Genomes Project 0.00040; ExAC 0.00009; gnomAD exomes 0.00011; TOPMed 0.00029.
gnomAD v4.1: 198 of 1,614,010 alleles (0.012%); highest among the groups gnomAD compares: Middle Eastern, 0.083%; no homozygotes.

Submissions (2):

Labcorp Genetics (formerly Invitae), Labcorp
Classification: Likely benign. Last evaluated: 2023-12-11. Review status: criteria provided, single submitter. Criteria: Invitae Variant Classification Sherloc (09022015). Collection method: clinical testing. Allele origin: germline.

PreventionGenetics, part of Exact Sciences
Classification: Likely benign for YWHAE-related condition. Last evaluated: 2023-03-25. Review status: no assertion criteria provided. Collection method: clinical testing. Allele origin: germline. Not counted in ClinVar's aggregate classification.
Comment: This variant is classified as likely benign based on ACMG/AMP sequence variant interpretation guidelines (Richards et al. 2015 PMID: 25741868, with internal and published modifications).